The following is an entry in ClinVar:

ClinVar aggregate classification (germline): Pathogenic (1 of 4 stars; one submission).

Conditions:
TTN-related disorder. Also called: TTN-related condition; TTN-related disease; TTN-related disorders.

Submission:

Daryl Scott Lab, Baylor College of Medicine
Classification: Pathogenic for TTN-related disorder. Review status: criteria provided, single submitter. Criteria: ACMG Guidelines, 2015. Collection method: clinical testing. Allele origin: maternal. Affected: yes. Observed: 1 heterozygote.
Comment: PVS1, PM2

NM_001267550.2(TTN):c.41135del (p.Pro13712fs)

Gene: TTN (titin; minus strand). Cytogenetic location: 2q31.2.
Variant type: Deletion.
Coding change: c.41135del on transcript NM_001267550.2 (MANE Select); coding-DNA position 41135, one base deleted (C; older notation c.41135delC).
Protein change: p.Pro13712fs; shifts the reading frame from proline 13712.
Molecular consequence: frameshift variant.
Genome position (GRCh38, 1-based): chr2:178,636,592, G deleted on the plus strand (C on the coding strand, the reverse complement: TTN is on the minus strand); the first of 4 consecutive G bases (chr2:178,636,592-178,636,595); deleting any one gives the same sequence. VCF-style (leftmost placement, unchanged base first): chr2-178636591-AG-A. GRCh37 (hg19) VCF-style: chr2-179501318-AG-A.
Other names: c.36212del, p.Pro12071fs (NM_001256850.1); c.13940del, p.Pro4647fs (NM_003319.4); c.33431del, p.Pro11144fs (NM_133378.4); c.14315del, p.Pro4772fs (NM_133432.3); c.14516del, p.Pro4839fs (NM_133437.4); c.13939del (NM_003319.4); short protein forms P11144fs, P12071fs, P13712fs, P4647fs, P4772fs, P4839fs.
Identifiers: ClinVar variation 4279670 (VCV004279670.1).
Genomic context (GRCh38, chr2:178,636,591, plus strand): 5'-GTGCTTGGGACTCTCACGGATATTGCTACCGTCTTTCATCCAGGTTGTAATTGCAGTGGA[AG>A]GGGAGACCAAACATTCAAAGATTGCTGAAGAGCCAACGAACTCTGATTCTGTCAAGATGA-3'